The following is an entry in ClinVar:

ClinVar aggregate classification (germline): Benign. Review status: criteria provided, multiple submitters, no conflicts (2 of 4 stars). 10 submissions from 10 submitters: Benign (9). 1 of the submissions does not count toward it. Last evaluated 2026-02-04.

Conditions:
Charcot-Marie-Tooth disease. Also called: Charcot-Marie-Tooth Hereditary Neuropathy; Charcot-Marie-Tooth Neuropathy. Identifiers: Orphanet 166, MedGen C0007959, MONDO:0015626.
Charcot-Marie-Tooth disease type 2. Also called: Charcot-Marie-Tooth type 2. Identifiers: Orphanet 64746, MedGen C0270914, MONDO:0018993.
Neuroblastoma (NB). Identifiers: Orphanet 635, MedGen C0027819, MeSH D009447, MONDO:0005072, HP:0003006.

Allele frequency attached by ClinVar (database versions not stated): 1000 Genomes Project 30x 0.07761; 1000 Genomes Project 0.08027; TOPMed 0.08545; gnomAD 0.08850 and 0.09146; ESP Exome Variant Server 0.09034; gnomAD exomes 0.11118 and 0.12048; ExAC 0.11276.
gnomAD v4.1: 189,774 of 1,613,702 alleles (12%); highest among the groups gnomAD compares: South Asian, 20%; 12,581 homozygotes.

Submissions (10):

Labcorp Genetics (formerly Invitae), Labcorp
Classification: Benign for Charcot-Marie-Tooth disease type 2. Last evaluated: 2026-02-04. Review status: criteria provided, single submitter. Criteria: Invitae Variant Classification Sherloc (09022015). Collection method: clinical testing. Allele origin: germline.

Blueprint Genetics
Classification: Benign. Last evaluated: 2024-11-26. Review status: criteria provided, single submitter. Criteria: ACMG Guidelines, 2015. Collection method: clinical testing. Allele origin: germline.

Ambry Genetics
Classification: Benign. Last evaluated: 2020-07-28. Review status: criteria provided, single submitter. Criteria: Ambry Variant Classification Scheme 2023. Collection method: clinical testing. Allele origin: germline.

Illumina Laboratory Services, Illumina
Classification: Benign for Neuroblastoma. Last evaluated: 2018-01-13. Review status: criteria provided, single submitter. Criteria: ICSL Variant Classification Criteria 13 December 2019. Collection method: clinical testing. Allele origin: germline.
Comment: This variant was observed in the ICSL laboratory as part of a predisposition screen in an ostensibly healthy population. It had not been previously curated by ICSL or reported in the Human Gene Mutation Database (HGMD: prior to June 1st, 2018), and was therefore a candidate for classification through an automated scoring system. Utilizing variant allele frequency, disease prevalence and penetrance estimates, and inheritance mode, an automated score was calculated to assess if this variant is too frequent to cause the disease. Based on the score and internal cut-off values, a variant classified as benign is not then subjected to further curation. The score for this variant resulted in a classification of benign for this disease.

Mayo Clinic Laboratories, Mayo Clinic
Classification: Benign. Last evaluated: 2016-03-24. Review status: criteria provided, single submitter. Criteria: ACMG Guidelines, 2015. Collection method: clinical testing. Allele origin: germline. Observed: 189 variant alleles.

GeneDx
Classification: Benign. Last evaluated: 2015-03-03. Review status: criteria provided, single submitter. Criteria: GeneDx Variant Classification Process June 2021. Collection method: clinical testing. Allele origin: germline. Affected: yes.

Breakthrough Genomics
Classification: Benign. Review status: criteria provided, single submitter. Criteria: ACMG Guidelines, 2015. Collection method: not provided. Allele origin: germline. Inheritance: Autosomal dominant inheritance. Affected: yes.

Molecular Genetics Laboratory, London Health Sciences Centre
Classification: Benign for Charcot-Marie-Tooth disease. Review status: criteria provided, single submitter. Criteria: ACMG Guidelines, 2015. Collection method: clinical testing. Allele origin: germline. Affected: yes.

PreventionGenetics, part of Exact Sciences
Classification: Benign. Review status: criteria provided, single submitter. Criteria: ACMG Guidelines, 2015. Collection method: clinical testing. Allele origin: germline.

Genetic Services Laboratory, University of Chicago
Classification: Likely benign for AllHighlyPenetrant. Review status: no assertion criteria provided. Collection method: clinical testing. Allele origin: germline. Not counted in ClinVar's aggregate classification.
Comment: Likely benign based on allele frequency in 1000 Genomes Project or ESP global frequency and its presence in a patient with a rare or unrelated disease phenotype. NOT Sanger confirmed.

NM_001365951.3(KIF1B):c.4299A>G (p.Pro1433=)

Gene: KIF1B (kinesin family member 1B; plus strand). Cytogenetic location: 1p36.22.
Variant type: single nucleotide variant.
Coding change: c.4299A>G on transcript NM_001365951.3 (MANE Select); coding-DNA position 4299, A replaced by G.
Protein change: p.Pro1433=; no amino-acid change (proline 1433 retained).
Molecular consequence: synonymous variant.
Genome position (GRCh38, 1-based): chr1:10,361,820, A>G. VCF-style: chr1-10361820-A-G. GRCh37 (hg19) VCF-style: chr1-10421878-A-G.
Other names: p.Pro1387=; c.4299A>G, p.Pro1433= (NM_001365952.1); c.4161A>G, p.Pro1387= (NM_015074.3).
Identifiers: ClinVar variation 129400 (VCV000129400.29), dbSNP rs12125492, ClinGen allele CA153389.